The following is an entry in ClinVar:

NM_001354604.2(MITF):c.582+126C>T

Gene: MITF (melanocyte inducing transcription factor; plus strand). Cytogenetic location: 3p13.
Variant type: single nucleotide variant.
Coding change: c.582+126C>T on transcript NM_001354604.2 (MANE Select); 126 bases into the intron after coding-DNA position 582, C replaced by T.
Molecular consequence: intron variant.
Genome position (GRCh38, 1-based): chr3:69,938,175, C>T. VCF-style: chr3-69938175-C-T. GRCh37 (hg19) VCF-style: chr3-69987326-C-T.
Other names: c.531+126C>T (NM_001354607.2); c.426+126C>T (NM_001354608.2, NM_001184967.2); c.582+126C>T (NM_198159.3); c.579+126C>T (NM_001354605.2, NM_001354606.2, NM_006722.3); c.534+126C>T (NM_198177.3); c.261+126C>T (NM_000248.4, NM_198158.3, NM_001184968.2); c.93+294C>T (NM_198178.3).
Identifiers: ClinVar variation 676892 (VCV000676892.2), dbSNP rs113394882, ClinGen allele CA77000578.

ClinVar aggregate classification (germline): Benign. Review status: criteria provided, multiple submitters, no conflicts (2 of 4 stars). 2 submissions from 2 submitters: Benign (2). Last evaluated 2018-06-20.

Allele frequency attached by ClinVar (database versions not stated): gnomAD exomes 0.00448; 1000 Genomes Project 0.01817; 1000 Genomes Project 30x 0.01905; gnomAD 0.01942 and 0.02073; TOPMed 0.02116.
gnomAD v4.1: 7,792 of 1,212,126 alleles (0.64%); highest among the groups gnomAD compares: African/African-American, 6%; 135 homozygotes.

Submissions (2):

GeneDx
Classification: Benign. Last evaluated: 2018-06-20. Review status: criteria provided, single submitter. Criteria: GeneDx Variant Classification (06012015). Collection method: clinical testing. Allele origin: germline. Affected: yes.
Comment: This variant is considered likely benign or benign based on one or more of the following criteria: it is a conservative change, it occurs at a poorly conserved position in the protein, it is predicted to be benign by multiple in silico algorithms, and/or has population frequency not consistent with disease.

Breakthrough Genomics
Classification: Benign. Review status: criteria provided, single submitter. Criteria: ACMG Guidelines, 2015. Collection method: not provided. Allele origin: germline. Inheritance: Autosomal recessive inheritance. Affected: yes.